The following is an entry in ClinVar:

ClinVar aggregate classification (germline): Uncertain significance (1 of 4 stars; one submission).

Conditions:
Hereditary cancer-predisposing syndrome. Also called: Neoplastic Syndromes, Hereditary; Tumor predisposition; Hereditary Cancer Syndrome; Hereditary neoplastic syndrome. Identifiers: Orphanet 140162, MedGen C0027672, MeSH D009386, MONDO:0015356.

Submission:

Ambry Genetics
Classification: Uncertain significance for Hereditary cancer-predisposing syndrome. Last evaluated: 2025-09-09. Review status: criteria provided, single submitter. Criteria: Ambry Variant Classification Scheme 2023. Collection method: clinical testing. Allele origin: germline.
Comment: The p.S793R variant (also known as c.2379C>A), located in coding exon 16 of the TSC1 gene, results from a C to A substitution at nucleotide position 2379. The serine at codon 793 is replaced by arginine, an amino acid with dissimilar properties. This amino acid position is conserved. In addition, the in silico prediction for this alteration is inconclusive. Based on the available evidence, the clinical significance of this variant remains unclear.

NM_000368.5(TSC1):c.2379C>A (p.Ser793Arg)

Gene: TSC1 (TSC complex subunit 1; minus strand). Cytogenetic location: 9q34.13.
Variant type: single nucleotide variant.
Coding change: c.2379C>A on transcript NM_000368.5 (MANE Select); coding-DNA position 2379, C replaced by A.
Protein change: p.Ser793Arg; replaces serine 793 with arginine.
Molecular consequence: missense variant. On other transcripts: non-coding transcript variant (5).
Genome position (GRCh38, 1-based): chr9:132,902,617, G>T on the plus strand (C>A on the coding strand, the complement: TSC1 is on the minus strand). VCF-style: chr9-132902617-G-T. GRCh37 (hg19) VCF-style: chr9-135778004-G-T.
Other names: c.2376C>A, p.Ser792Arg (NM_001162426.2, NM_001406608.1, NM_001406609.1 and 4 more transcripts); c.2226C>A, p.Ser742Arg (NM_001162427.2, NM_001406610.1); c.2016C>A, p.Ser672Arg (NM_001362177.2, NM_001406614.1, NM_001406615.1 and 5 more transcripts); c.2379C>A, p.Ser793Arg (NM_001406592.1, NM_001406593.1, NM_001406594.1 and 5 more transcripts); c.2223C>A, p.Ser741Arg (NM_001406611.1, NM_001406612.1, NM_001406613.1); c.2013C>A, p.Ser671Arg (NM_001406625.1, NM_001406620.1, NM_001406621.1 and 2 more transcripts); c.1428C>A, p.Ser476Arg (NM_001406626.1); c.1425C>A, p.Ser475Arg (NM_001406627.1, NM_001406628.1); and 3 more; short protein forms S475R, S671R, S672R, S741R, S787R, S793R, S442R, S476R.
Identifiers: ClinVar variation 4192098 (VCV004192098.1).